The following is an entry in ClinVar:

ClinVar aggregate classification (germline): Likely benign. Review status: criteria provided, multiple submitters, no conflicts (2 of 4 stars). 3 submissions from 3 submitters: Likely benign (2). 1 of the submissions does not count toward it. Last evaluated 2025-05-01.

Conditions:
NUMA1-related disorder. Also called: NUMA1-related condition.

Allele frequency attached by ClinVar (database versions not stated): 1000 Genomes Project 30x 0.00062; 1000 Genomes Project 0.00080; TOPMed 0.00219; gnomAD 0.00261 and 0.00288; gnomAD exomes 0.00317 and 0.00385; ESP Exome Variant Server 0.00331; ExAC 0.00384.
gnomAD v4.1: 5,991 of 1,614,036 alleles (0.37%); highest among the groups gnomAD compares: Non-Finnish European, 0.44%; 30 homozygotes.

Submissions (5):

CeGaT Center for Human Genetics Tuebingen
Classification: Likely benign. Last evaluated: 2025-05-01. Review status: criteria provided, single submitter. Criteria: CeGaT Center For Human Genetics Tuebingen Variant Classification Criteria Version 2. Collection method: clinical testing. Allele origin: germline. Affected: yes. Observed: 2 variant alleles.
Comment: NUMA1: BP4, BS2

Labcorp Genetics (formerly Invitae), Labcorp
Classification: Likely benign. Last evaluated: 2018-05-29. Review status: criteria provided, single submitter. Criteria: Invitae Variant Classification Sherloc (09022015). Collection method: clinical testing. Allele origin: germline.

PreventionGenetics, part of Exact Sciences
Classification: Benign for NUMA1-related condition. Last evaluated: 2020-10-06. Review status: no assertion criteria provided. Collection method: clinical testing. Allele origin: germline. Not counted in ClinVar's aggregate classification.
Comment: This variant is classified as benign based on ACMG/AMP sequence variant interpretation guidelines (Richards et al. 2015 PMID: 25741868, with internal and published modifications).

Dr. Peter K. Rogan Lab, Western University
No classification provided (evidence only). Condition: Malignant tumor of urinary bladder. Review status: no classification provided. Collection method: in vitro. Allele origin: not applicable. Functional consequence: retained intron. Not counted in ClinVar's aggregate classification.

Dr. Peter K. Rogan Lab, Western University
No classification provided (evidence only). Condition: Malignant tumor of urinary bladder. Review status: no classification provided. Collection method: in vitro. Allele origin: not applicable. Functional consequence: retained intron. Not counted in ClinVar's aggregate classification.

NM_006185.4(NUMA1):c.1430A>G (p.Asn477Ser)

Genes: NUMA1 (nuclear mitotic apparatus protein 1; minus strand), NUMA1-AS1 (NUMA1 antisense RNA 1; plus strand). Cytogenetic location: 11q13.4.
Variant type: single nucleotide variant.
Coding change: c.1430A>G on transcript NM_006185.4 (MANE Select); coding-DNA position 1430, A replaced by G.
Protein change: p.Asn477Ser; replaces asparagine 477 with serine.
Molecular consequence: missense variant.
Genome position (GRCh38, 1-based): chr11:72,016,073, T>C on the plus strand (A>G on the coding strand, the complement: NUMA1 is on the minus strand). VCF-style: chr11-72016073-T-C. GRCh37 (hg19) VCF-style: chr11-71727119-T-C.
Other names: NC_000011.9:g.71727119T>C; c.1430A>G, p.Asn477Ser (NM_001286561.2); short protein forms N477S.
Identifiers: ClinVar variation 711463 (VCV000711463.29), dbSNP rs145185561, ClinGen allele CA6167611.